The following is an entry in ClinVar:

ClinVar aggregate classification (germline): Benign (1 of 4 stars; one submission).

Conditions:
Breast-ovarian cancer, familial, susceptibility to, 3. Also called: RAD51C-Related Breast/Ovarian Cancer. Identifiers: Orphanet 145, MedGen C3150659, MONDO:0013253, OMIM 613399.

Submission:

Myriad Genetics, Inc.
Classification: Benign for Breast-ovarian cancer, familial, susceptibility to, 3. Last evaluated: 2025-02-14. Review status: criteria provided, single submitter. Criteria: Myriad Autosomal Dominant, Autosomal Recessive and X-Linked Classification Criteria (2023). Collection method: clinical testing. Allele origin: unknown.
Comment: This variant is considered benign. This variant is a silent/synonymous amino acid change and it is not expected to impact splicing.

NM_058216.3(RAD51C):c.360A>C (p.Thr120=)

Gene: RAD51C (RAD51 paralog C; plus strand). Cytogenetic location: 17q22.
Variant type: single nucleotide variant.
Coding change: c.360A>C on transcript NM_058216.3 (MANE Select); coding-DNA position 360, A replaced by C.
Protein change: p.Thr120=; no amino-acid change (threonine 120 retained).
Molecular consequence: synonymous variant. On other transcripts: non-coding transcript variant (2).
Genome position (GRCh38, 1-based): chr17:58,695,145, A>C. VCF-style: chr17-58695145-A-C. GRCh37 (hg19) VCF-style: chr17-56772506-A-C.
Other names: c.360A>C, p.Thr120= (NM_002876.4).
Identifiers: ClinVar variation 3904332 (VCV003904332.1).